The following is an entry in ClinVar:

ClinVar aggregate classification (germline): Uncertain significance (1 of 4 stars; one submission).

Allele frequency attached by ClinVar (database versions not stated): TOPMed below 0.00001; gnomAD exomes 0.00001 and 0.00002.

Submission:

Labcorp Genetics (formerly Invitae), Labcorp
Classification: Uncertain significance. Last evaluated: 2022-11-22. Review status: criteria provided, single submitter. Criteria: Invitae Variant Classification Sherloc (09022015). Collection method: clinical testing. Allele origin: germline.
Comment: In summary, the available evidence is currently insufficient to determine the role of this variant in disease. Therefore, it has been classified as a Variant of Uncertain Significance. Advanced modeling of protein sequence and biophysical properties (such as structural, functional, and spatial information, amino acid conservation, physicochemical variation, residue mobility, and thermodynamic stability) performed at Invitae indicates that this missense variant is not expected to disrupt P3H2 protein function. ClinVar contains an entry for this variant (Variation ID: 1376612). This variant has not been reported in the literature in individuals affected with P3H2-related conditions. This variant is present in population databases (rs747528883, gnomAD 0.02%). This sequence change replaces alanine, which is neutral and non-polar, with valine, which is neutral and non-polar, at codon 132 of the P3H2 protein (p.Ala132Val).

NM_018192.4(P3H2):c.395C>T (p.Ala132Val)

Gene: P3H2 (prolyl 3-hydroxylase 2; minus strand). Cytogenetic location: 3q28.
Variant type: single nucleotide variant.
Coding change: c.395C>T on transcript NM_018192.4 (MANE Select); coding-DNA position 395, C replaced by T.
Protein change: p.Ala132Val; replaces alanine 132 with valine.
Molecular consequence: missense variant. On other transcripts: intron variant (1).
Genome position (GRCh38, 1-based): chr3:190,120,337, G>A on the plus strand (C>T on the coding strand, the complement: P3H2 is on the minus strand). VCF-style: chr3-190120337-G-A. GRCh37 (hg19) VCF-style: chr3-189838126-G-A.
Other names: c.-64+1866C>T (NM_001134418.2); short protein forms A132V.
Identifiers: ClinVar variation 1376612 (VCV001376612.4), dbSNP rs747528883, ClinGen allele CA2753379.